The following is an entry in ClinVar:

ClinVar aggregate classification (germline): Uncertain significance (1 of 4 stars; one submission).

Conditions:
Cervical cancer. Also called: Cancer of cervix; Cervix cancer; Cervical cancer, somatic. Identifiers: MedGen C4048328, MONDO:0002974, OMIM 603956, HP:0030079.

Submission:

Centre for Mendelian Genomics, University Medical Centre Ljubljana
Classification: Uncertain significance for Cervical cancer. Last evaluated: 2019-10-02. Review status: criteria provided, single submitter. Criteria: ACMG Guidelines, 2015. Collection method: clinical testing. Allele origin: unknown. Affected: yes.
Comment: This variant was classified as: Uncertain significance. The available evidence on this variant's pathogenicity is insufficient or conflicting. The following ACMG criteria were applied in classifying this variant: PM2,BP4.

NM_000142.5(FGFR3):c.1960-16T>C

Gene: FGFR3 (fibroblast growth factor receptor 3; plus strand). Cytogenetic location: 4p16.3.
Variant type: single nucleotide variant.
Coding change: c.1960-16T>C on transcript NM_000142.5 (MANE Select); 16 bases into the intron before coding-DNA position 1960, T replaced by C.
Molecular consequence: intron variant.
Genome position (GRCh38, 1-based): chr4:1,806,241, T>C. VCF-style: chr4-1806241-T-C. GRCh37 (hg19) VCF-style: chr4-1807968-T-C.
Other names: c.1966-16T>C (NM_001163213.2); c.1963-16T>C (NM_001354809.2); c.1962+68T>C (NM_001354810.2); c.1624-16T>C (NM_022965.4).
Identifiers: ClinVar variation 931624 (VCV000931624.3), dbSNP rs1721900734, ClinGen allele CA1139658411.